The following is an entry in ClinVar:

ClinVar aggregate classification (germline): Uncertain significance (1 of 4 stars; one submission).

Allele frequency attached by ClinVar (database versions not stated): gnomAD exomes below 0.00001; ExAC 0.00001; gnomAD 0.00001.
gnomAD v4.1: 2 of 1,613,864 alleles (0.00012%); highest among the groups gnomAD compares: East Asian, 0.0022%; no homozygotes.

Submission:

Labcorp Genetics (formerly Invitae), Labcorp
Classification: Uncertain significance. Last evaluated: 2025-01-06. Review status: criteria provided, single submitter. Criteria: Invitae Variant Classification Sherloc (09022015). Collection method: clinical testing. Allele origin: germline.
Comment: This sequence change replaces isoleucine, which is neutral and non-polar, with threonine, which is neutral and polar, at codon 994 of the ADCY5 protein (p.Ile994Thr). This variant is present in population databases (rs781396013, gnomAD 0.01%). This variant has not been reported in the literature in individuals affected with ADCY5-related conditions. ClinVar contains an entry for this variant (Variation ID: 2969100). Invitae Evidence Modeling of protein sequence and biophysical properties (such as structural, functional, and spatial information, amino acid conservation, physicochemical variation, residue mobility, and thermodynamic stability) has been performed for this missense variant. However, the output from this modeling did not meet the statistical confidence thresholds required to predict the impact of this variant on ADCY5 protein function. In summary, the available evidence is currently insufficient to determine the role of this variant in disease. Therefore, it has been classified as a Variant of Uncertain Significance.

NM_183357.3(ADCY5):c.2981T>C (p.Ile994Thr)

Gene: ADCY5 (adenylate cyclase 5; minus strand). Cytogenetic location: 3q21.1.
Variant type: single nucleotide variant.
Coding change: c.2981T>C on transcript NM_183357.3 (MANE Select); coding-DNA position 2981, T replaced by C.
Protein change: p.Ile994Thr; replaces isoleucine 994 with threonine.
Molecular consequence: missense variant.
Genome position (GRCh38, 1-based): chr3:123,296,166, A>G on the plus strand (T>C on the coding strand, the complement: ADCY5 is on the minus strand). VCF-style: chr3-123296166-A-G. GRCh37 (hg19) VCF-style: chr3-123015013-A-G.
Other names: c.1931T>C, p.Ile644Thr (NM_001199642.1); c.3056T>C, p.Ile1019Thr (NM_001378259.1); short protein forms I1019T, I994T, I644T.
Identifiers: ClinVar variation 2969100 (VCV002969100.3), dbSNP rs781396013, ClinGen allele CA2576885.